The following is an entry in ClinVar:

NM_000383.4(AIRE):c.517_533del (p.Gln173fs)

Gene: AIRE (autoimmune regulator; plus strand). Cytogenetic location: 21q22.3.
Variant type: Deletion.
Coding change: c.517_533del on transcript NM_000383.4 (MANE Select); coding-DNA positions 517 to 533, 17 bases deleted (CAGCGCCTTCCACTCGG).
Protein change: p.Gln173fs; shifts the reading frame from glutamine 173.
Molecular consequence: frameshift variant.
Genome position (GRCh38, 1-based): chr21:44,287,570-44,287,586, CAGCGCCTTCCACTCGG deleted; deleting any 17 consecutive bases within chr21:44,287,569-44,287,586 gives the same sequence; the c. name uses the placement nearest the transcript's 3' end. VCF-style (leftmost placement, unchanged base first): chr21-44287568-AGCAGCGCCTTCCACTCG-A. GRCh37 (hg19) VCF-style: chr21-45707451-AGCAGCGCCTTCCACTCG-A.
Other names: short protein forms Q173fs.
Identifiers: ClinVar variation 5003787 (VCV005003787.1).

ClinVar aggregate classification (germline): Pathogenic (1 of 4 stars; one submission).

Conditions:
Polyglandular autoimmune syndrome, type 1 (APS1). Also called: AUTOIMMUNE POLYENDOCRINE SYNDROME, TYPE I, WITH OR WITHOUT REVERSIBLE METAPHYSEAL DYSPLASIA; Autoimmune polyendocrinopathy syndrome, type I; PGA I; Autoimmune polyendocrine syndrome type 1; APS I; Autoimmune polyendocrinopathy syndrome , type I, with or without reversible metaphyseal dysplasia. Identifiers: Orphanet 3453, MedGen C0085859, MONDO:0009411, OMIM 240300.

Submission:

Myriad Genetics, Inc.
Classification: Pathogenic for Polyglandular autoimmune syndrome, type 1. Last evaluated: 2025-11-17. Review status: criteria provided, single submitter. Criteria: Myriad Autosomal Dominant, Autosomal Recessive and X-Linked Classification Criteria (2023). Collection method: clinical testing. Allele origin: unknown.
Comment: NM_000383.3(AIRE):c.517_533del17(Q173Efs*38) is a frameshift variant classified as pathogenic in the context of autoimmune polyglandular syndrome type 1. Q173Efs*38 has not been observed in cases with relevant disease. Relevant functional assessments of this variant are not available in the literature. Q173Efs*38 has not been observed in referenced population frequency databases. In summary, NM_000383.3(AIRE):c.517_533del17(Q173Efs*38) is a frameshift variant in a gene where loss of function is a known mechanism of disease and is predicted to disrupt protein function. Please note: this variant was assessed in the context of healthy population screening.